The following is an entry in ClinVar:

NM_001174147.2(LMX1B):c.*1473G>A

Gene: LMX1B (LIM homeobox transcription factor 1 beta; plus strand). Cytogenetic location: 9q33.3.
Variant type: single nucleotide variant.
Coding change: c.*1473G>A on transcript NM_001174147.2 (MANE Select); 1473 bases downstream of the stop codon, G replaced by A.
Molecular consequence: 3 prime UTR variant.
Genome position (GRCh38, 1-based): chr9:126,697,924, G>A. VCF-style: chr9-126697924-G-A. GRCh37 (hg19) VCF-style: chr9-129460203-G-A.
Other names: c.*1473G>A (NM_001174146.2, NM_002316.4).
Identifiers: ClinVar variation 364929 (VCV000364929.6), dbSNP rs13299609, ClinGen allele CA10626392.

ClinVar aggregate classification (germline): Benign. Review status: criteria provided, multiple submitters, no conflicts (2 of 4 stars). 2 submissions from 2 submitters: Benign (2). Last evaluated 2018-01-12.

Conditions:
Nail-patella syndrome (NPS). Also called: FONG DISEASE; ONYCHOOSTEODYSPLASIA; TURNER-KIESER SYNDROME. Identifiers: Orphanet 2614, MedGen C0027341, MONDO:0008061, OMIM 161200.

Allele frequency attached by ClinVar (database versions not stated): gnomAD exomes 0.05487; gnomAD 0.11304; TOPMed 0.11315; 1000 Genomes Project 30x 0.14928; 1000 Genomes Project 0.15076.
gnomAD v4.1: 16,898 of 157,004 alleles (11%); highest among the groups gnomAD compares: East Asian, 35%; 1,185 homozygotes.

Submissions (2):

Illumina Laboratory Services, Illumina
Classification: Benign for Nail-patella syndrome. Last evaluated: 2018-01-12. Review status: criteria provided, single submitter. Criteria: ICSL Variant Classification Criteria 13 December 2019. Collection method: clinical testing. Allele origin: germline.
Comment: This variant was observed in the ICSL laboratory as part of a predisposition screen in an ostensibly healthy population. It had not been previously curated by ICSL or reported in the Human Gene Mutation Database (HGMD: prior to June 1st, 2018), and was therefore a candidate for classification through an automated scoring system. Utilizing variant allele frequency, disease prevalence and penetrance estimates, and inheritance mode, an automated score was calculated to assess if this variant is too frequent to cause the disease. Based on the score and internal cut-off values, a variant classified as benign is not then subjected to further curation. The score for this variant resulted in a classification of benign for this disease.

Breakthrough Genomics
Classification: Benign. Review status: criteria provided, single submitter. Criteria: ACMG Guidelines, 2015. Collection method: not provided. Allele origin: germline. Inheritance: Autosomal dominant inheritance. Affected: yes.